The following is an entry in ClinVar:

ClinVar aggregate classification (germline): Likely pathogenic (1 of 4 stars; one submission).

Conditions:
Intellectual developmental disorder with cardiac defects and dysmorphic facies (IDDCDF). Identifiers: Orphanet 562569, MedGen C5193024, MONDO:0032672, OMIM 618316.

Submission:

Department of Human Genetics, Hannover Medical School
Classification: Likely pathogenic for Intellectual developmental disorder with cardiac defects and dysmorphic facies. Last evaluated: 2024-10-28. Review status: criteria provided, single submitter. Criteria: ACMG Guidelines, 2015. Collection method: clinical testing. Allele origin: germline. Affected: yes.
Comment: ACMG: PVS1, PM2_Supporting

NM_014738.6(TMEM94):c.2485_2494del (p.Ser829fs)

Gene: TMEM94 (transmembrane protein 94; plus strand). Cytogenetic location: 17q25.1.
Variant type: Deletion.
Coding change: c.2485_2494del on transcript NM_014738.6 (MANE Select); coding-DNA positions 2485 to 2494, 10 bases deleted (TCCCAGTACC; older notation c.2485_2494delTCCCAGTACC).
Protein change: p.Ser829fs; shifts the reading frame from serine 829.
Molecular consequence: frameshift variant.
Genome position (GRCh38, 1-based): chr17:75,494,704-75,494,713, TCCCAGTACC deleted; deleting any 10 consecutive bases within chr17:75,494,702-75,494,713 gives the same sequence; the c. name uses the placement nearest the transcript's 3' end. VCF-style (leftmost placement, unchanged base first): chr17-75494701-TCCTCCCAGTA-T. GRCh37 (hg19) VCF-style: chr17-73490782-TCCTCCCAGTA-T.
Other names: c.2515_2524del, p.Ser839fs (NM_001321148.2); c.2497_2506del, p.Ser833fs (NM_001321149.2); c.2437_2446del, p.Ser813fs (NM_001351202.2); c.2512_2521del, p.Ser838fs (NM_001351203.2); short protein forms S813fs, S829fs, S833fs, S838fs, S839fs.
Identifiers: ClinVar variation 3367177 (VCV003367177.1).